The following is an entry in ClinVar:

ClinVar aggregate classification (germline): Likely benign. Review status: criteria provided, multiple submitters, no conflicts (2 of 4 stars). 3 submissions from 3 submitters: Likely benign (3). Last evaluated 2023-05-04.

Conditions:
Arrhythmogenic right ventricular dysplasia 8 (ARVD8). Also called: Arrhythmogenic Right Ventricular Dysplasia/Cardiomyopathy 8; ARRHYTHMOGENIC RIGHT VENTRICULAR DYSPLASIA, FAMILIAL, 8; ARRHYTHMOGENIC RIGHT VENTRICULAR CARDIOMYOPATHY 8. Identifiers: MedGen C1843896, MONDO:0011831, OMIM 607450.
Arrhythmogenic cardiomyopathy with wooly hair and keratoderma. Also called: PALMOPLANTAR KERATODERMA WITH LEFT VENTRICULAR CARDIOMYOPATHY AND WOOLLY HAIR; Carvajal syndrome; Dilated cardiomyopathy with woolly hair and keratoderma; Arrhythmogenic cardiomyopathy with woolly hair and keratoderma. Identifiers: Orphanet 65282, MedGen C1854063, MONDO:0011581, OMIM 605676.
Cardiomyopathy (CMYO). Also called: Cardiomyopathies. Identifiers: Orphanet 167848, MedGen C0878544, MONDO:0004994, HP:0001638. Inheritance: Various modes of inheritance.

Allele frequency attached by ClinVar (database versions not stated): gnomAD exomes below 0.00001.
gnomAD v4.1: 2 of 1,614,044 alleles (0.00012%); highest among the groups gnomAD compares: Non-Finnish European, 0.00017%; no homozygotes.

Submissions (3):

All of Us Research Program, National Institutes of Health
Classification: Likely benign for Arrhythmogenic cardiomyopathy with wooly hair and keratoderma. Last evaluated: 2023-05-04. Review status: criteria provided, single submitter. Criteria: ACMG Guidelines, 2015. Collection method: clinical testing. Allele origin: germline. Inheritance: Autosomal dominant inheritance. Observed: 1 variant allele, 1 heterozygote.
Comment: This study involves interpretation of variants in research participants for the purpose of population health screening. Participant phenotype was not available at the time of variant classification. Additional details can be found in publication PMID: 35346344, PMCID: PMC8962531

Labcorp Genetics (formerly Invitae), Labcorp
Classification: Likely benign for Arrhythmogenic cardiomyopathy with wooly hair and keratoderma; Arrhythmogenic right ventricular dysplasia 8. Last evaluated: 2021-02-05. Review status: criteria provided, single submitter. Criteria: Invitae Variant Classification Sherloc (09022015). Collection method: clinical testing. Allele origin: germline.

Color Diagnostics, LLC DBA Color Health
Classification: Likely benign for Cardiomyopathy. Last evaluated: 2019-06-22. Review status: criteria provided, single submitter. Criteria: ACMG Guidelines, 2015. Collection method: clinical testing. Allele origin: germline.

NM_004415.4(DSP):c.7458C>T (p.Gly2486=)

Gene: DSP (desmoplakin; plus strand). Cytogenetic location: 6p24.3.
Variant type: single nucleotide variant.
Coding change: c.7458C>T on transcript NM_004415.4 (MANE Select); coding-DNA position 7458, C replaced by T.
Protein change: p.Gly2486=; no amino-acid change (glycine 2486 retained).
Molecular consequence: synonymous variant.
Genome position (GRCh38, 1-based): chr6:7,584,720, C>T. VCF-style: chr6-7584720-C-T. GRCh37 (hg19) VCF-style: chr6-7584953-C-T.
Other names: c.5661C>T, p.Gly1887= (NM_001008844.3); c.6129C>T, p.Gly2043= (NM_001319034.2).
Identifiers: ClinVar variation 922900 (VCV000922900.11), dbSNP rs1049252239, ClinGen allele CA133975976.